The following is an entry in ClinVar:

ClinVar aggregate classification (germline): Uncertain significance (1 of 4 stars; one submission).

gnomAD v4.1: 5 of 1,613,756 alleles (0.00031%); highest among the groups gnomAD compares: African/African-American, 0.0067%; no homozygotes.

Submission:

Ambry Genetics
Classification: Uncertain significance. Last evaluated: 2024-06-30. Review status: criteria provided, single submitter. Criteria: Ambry Variant Classification Scheme 2023. Collection method: clinical testing. Allele origin: germline.
Comment: The p.S1554F variant (also known as c.4661C>T), located in coding exon 36 of the PRKDC gene, results from a C to T substitution at nucleotide position 4661. The serine at codon 1554 is replaced by phenylalanine, an amino acid with highly dissimilar properties. This amino acid position is conserved. Based on the available evidence, the clinical significance of this variant remains unclear.

NM_006904.7(PRKDC):c.4661C>T (p.Ser1554Phe)

Gene: PRKDC (protein kinase, DNA-activated, catalytic subunit; minus strand). Cytogenetic location: 8q11.21.
Variant type: single nucleotide variant.
Coding change: c.4661C>T on transcript NM_006904.7 (MANE Select); coding-DNA position 4661, C replaced by T.
Protein change: p.Ser1554Phe; replaces serine 1554 with phenylalanine.
Molecular consequence: missense variant.
Genome position (GRCh38, 1-based): chr8:47,886,059, G>A on the plus strand (C>T on the coding strand, the complement: PRKDC is on the minus strand). VCF-style: chr8-47886059-G-A. GRCh37 (hg19) VCF-style: chr8-48798620-G-A.
Other names: c.4661C>T, p.Ser1554Phe (NM_001081640.2); short protein forms S1554F.
Identifiers: ClinVar variation 3425261 (VCV003425261.1).